The following is an entry in ClinVar:

ClinVar aggregate classification (germline): Pathogenic (1 of 4 stars; one submission).

Submission:

CeGaT Center for Human Genetics Tuebingen
Classification: Pathogenic. Last evaluated: 2023-09-01. Review status: criteria provided, single submitter. Criteria: CeGaT Center For Human Genetics Tuebingen Variant Classification Criteria Version 2. Collection method: clinical testing. Allele origin: germline. Affected: yes. Observed: 1 variant allele.
Comment: EXT1: PVS1, PM2

NM_000127.3(EXT1):c.1909dup (p.Tyr637fs)

Gene: EXT1 (exostosin glycosyltransferase 1; minus strand). Cytogenetic location: 8q24.11.
Variant type: Duplication.
Coding change: c.1909dup on transcript NM_000127.3 (MANE Select); coding-DNA position 1909, one base duplicated (T; older notation c.1909dupT).
Protein change: p.Tyr637fs; shifts the reading frame from tyrosine 637.
Molecular consequence: frameshift variant.
Genome position (GRCh38, 1-based): chr8:117,804,868, A duplicated on the plus strand (T on the coding strand, the reverse complement: EXT1 is on the minus strand); the first of 2 consecutive A bases (chr8:117,804,868-117,804,869); duplicating either gives the same sequence. VCF-style (leftmost placement, unchanged base first): chr8-117804867-T-TA. GRCh37 (hg19) VCF-style: chr8-118817106-T-TA.
Other names: short protein forms Y637fs.
Identifiers: ClinVar variation 2583069 (VCV002583069.25), dbSNP rs2488085666, ClinGen allele CA2582341970.